The following is an entry in ClinVar:

ClinVar aggregate classification (germline): Uncertain significance. Review status: criteria provided, multiple submitters, no conflicts (2 of 4 stars). 2 submissions from 2 submitters: Uncertain significance (2). Last evaluated 2023-02-24.

Conditions:
Hereditary sensory neuropathy-deafness-dementia syndrome. Also called: HSN IE; Hereditary sensory neuropathy type IE; NEUROPATHY, HEREDITARY SENSORY, WITH HEARING LOSS AND DEMENTIA; Hereditary Sensory and Autonomic Neuropathy Type 1E (HSAN1E). Identifiers: Orphanet 456318, MedGen C3279885, MONDO:0013584, OMIM 614116.

Allele frequency attached by ClinVar (database versions not stated): gnomAD 0.00001; gnomAD exomes 0.00001; TOPMed 0.00001.
gnomAD v4.1: 11 of 1,614,126 alleles (0.00068%); highest among the groups gnomAD compares: Non-Finnish European, 0.00093%; no homozygotes.

Submissions (2):

Labcorp Genetics (formerly Invitae), Labcorp
Classification: Uncertain significance for Hereditary sensory neuropathy-deafness-dementia syndrome. Last evaluated: 2023-02-24. Review status: criteria provided, single submitter. Criteria: Invitae Variant Classification Sherloc (09022015). Collection method: clinical testing. Allele origin: germline.
Comment: This variant is not present in population databases (gnomAD no frequency). This sequence change replaces serine, which is neutral and polar, with asparagine, which is neutral and polar, at codon 1619 of the DNMT1 protein (p.Ser1619Asn). In summary, the available evidence is currently insufficient to determine the role of this variant in disease. Therefore, it has been classified as a Variant of Uncertain Significance. Advanced modeling of protein sequence and biophysical properties (such as structural, functional, and spatial information, amino acid conservation, physicochemical variation, residue mobility, and thermodynamic stability) performed at Invitae indicates that this missense variant is not expected to disrupt DNMT1 protein function. ClinVar contains an entry for this variant (Variation ID: 1420822). This variant has not been reported in the literature in individuals affected with DNMT1-related conditions.

Blueprint Genetics
Classification: Uncertain significance. Last evaluated: 2019-09-12. Review status: criteria provided, single submitter. Criteria: ACMG Guidelines, 2015. Collection method: clinical testing. Allele origin: germline.

NM_001130823.3(DNMT1):c.4856G>A (p.Ser1619Asn)

Gene: DNMT1 (DNA methyltransferase 1; minus strand). Cytogenetic location: 19p13.2.
Variant type: single nucleotide variant.
Coding change: c.4856G>A on transcript NM_001130823.3 (MANE Select); coding-DNA position 4856, G replaced by A.
Protein change: p.Ser1619Asn; replaces serine 1619 with asparagine.
Molecular consequence: missense variant.
Genome position (GRCh38, 1-based): chr19:10,134,225, C>T on the plus strand (G>A on the coding strand, the complement: DNMT1 is on the minus strand). VCF-style: chr19-10134225-C-T. GRCh37 (hg19) VCF-style: chr19-10244901-C-T.
Other names: c.4817G>A, p.Ser1606Asn (NM_001318730.2); c.4493G>A, p.Ser1498Asn (NM_001318731.2); c.4808G>A, p.Ser1603Asn (NM_001379.4); short protein forms S1603N, S1498N, S1606N, S1619N.
Identifiers: ClinVar variation 1420822 (VCV001420822.9), dbSNP rs1442469317, ClinGen allele CA403967156.